The following is an entry in ClinVar:

NM_030777.4(SLC2A10):c.1212G>T (p.Gly404=)

Gene: SLC2A10 (solute carrier family 2 member 10; plus strand). Cytogenetic location: 20q13.12.
Variant type: single nucleotide variant.
Coding change: c.1212G>T on transcript NM_030777.4 (MANE Select); coding-DNA position 1212, G replaced by T.
Protein change: p.Gly404=; no amino-acid change (glycine 404 retained).
Molecular consequence: synonymous variant.
Genome position (GRCh38, 1-based): chr20:46,726,248, G>T. VCF-style: chr20-46726248-G-T. GRCh37 (hg19) VCF-style: chr20-45354887-G-T.
Other names: p.Gly404=.
Identifiers: ClinVar variation 263336 (VCV000263336.47), dbSNP rs139155480, ClinGen allele CA9892129.

ClinVar aggregate classification (germline): Benign/Likely benign. Review status: criteria provided, multiple submitters, no conflicts (2 of 4 stars). 10 submissions from 10 submitters: Benign (6); Likely benign (4). Last evaluated 2026-04-01.

Conditions:
Familial thoracic aortic aneurysm and aortic dissection (TAAD). Also called: Thoracic aortic aneurysms and dissections. Identifiers: Orphanet 91387, MedGen C4707243, MONDO:0019625.
Arterial tortuosity syndrome (ATORS). Identifiers: Orphanet 3342, MedGen C1859726, MONDO:0008818, OMIM 208050.

Allele frequency attached by ClinVar (database versions not stated): gnomAD exomes 0.00087; ExAC 0.00113; gnomAD 0.00339 and 0.00363; ESP Exome Variant Server 0.00361; TOPMed 0.00362; 1000 Genomes Project 0.00399; 1000 Genomes Project 30x 0.00406.
gnomAD v4.1: 1,077 of 1,613,634 alleles (0.067%); highest among the groups gnomAD compares: African/African-American, 1.2%; 5 homozygotes.

Submissions (10):

CeGaT Center for Human Genetics Tuebingen
Classification: Likely benign. Last evaluated: 2026-04-01. Review status: criteria provided, single submitter. Criteria: CeGaT Center For Human Genetics Tuebingen Variant Classification Criteria Version 2. Collection method: clinical testing. Allele origin: germline. Affected: yes. Observed: 2 variant alleles.
Comment: SLC2A10: BP4, BP7, BS1

Labcorp Genetics (formerly Invitae), Labcorp
Classification: Benign for Arterial tortuosity syndrome. Last evaluated: 2026-01-20. Review status: criteria provided, single submitter. Criteria: Invitae Variant Classification Sherloc (09022015). Collection method: clinical testing. Allele origin: germline.

Blueprint Genetics
Classification: Likely benign. Last evaluated: 2024-10-08. Review status: criteria provided, single submitter. Criteria: ACMG Guidelines, 2015. Collection method: clinical testing. Allele origin: germline.

Mayo Clinic Laboratories, Mayo Clinic
Classification: Benign. Last evaluated: 2024-06-28. Review status: criteria provided, single submitter. Criteria: ACMG Guidelines, 2015. Collection method: clinical testing. Allele origin: germline. Observed: 2 variant alleles.
Comment: BS1, BS2, BP4, BP7

ARUP Laboratories, Molecular Genetics and Genomics, ARUP Laboratories
Classification: Benign for Arterial tortuosity syndrome. Last evaluated: 2023-09-21. Review status: criteria provided, single submitter. Criteria: ARUP Molecular Germline Variant Investigation Process 2024. Collection method: clinical testing. Allele origin: germline.

Women's Health and Genetics/Laboratory Corporation of America, LabCorp
Classification: Likely benign. Last evaluated: 2019-10-28. Review status: criteria provided, single submitter. Criteria: LabCorp Variant Classification Summary - May 2015. Collection method: clinical testing. Allele origin: germline.

Illumina Laboratory Services, Illumina
Classification: Benign for Arterial tortuosity syndrome. Last evaluated: 2018-01-13. Review status: criteria provided, single submitter. Criteria: ICSL Variant Classification Criteria 13 December 2019. Collection method: clinical testing. Allele origin: germline.
Comment: This variant was observed in the ICSL laboratory as part of a predisposition screen in an ostensibly healthy population. It had not been previously curated by ICSL or reported in the Human Gene Mutation Database (HGMD: prior to June 1st, 2018), and was therefore a candidate for classification through an automated scoring system. Utilizing variant allele frequency, disease prevalence and penetrance estimates, and inheritance mode, an automated score was calculated to assess if this variant is too frequent to cause the disease. Based on the score and internal cut-off values, a variant classified as benign is not then subjected to further curation. The score for this variant resulted in a classification of benign for this disease.

Ambry Genetics
Classification: Benign for Familial thoracic aortic aneurysm and aortic dissection. Last evaluated: 2015-12-02. Review status: criteria provided, single submitter. Criteria: Ambry Variant Classification Scheme 2023. Collection method: clinical testing. Allele origin: germline.

GeneDx
Classification: Benign. Last evaluated: 2015-08-20. Review status: criteria provided, single submitter. Criteria: GeneDx Variant Classification (06012015). Collection method: clinical testing. Allele origin: germline. Affected: yes.
Comment: This variant is considered likely benign or benign based on one or more of the following criteria: it is a conservative change, it occurs at a poorly conserved position in the protein, it is predicted to be benign by multiple in silico algorithms, and/or has population frequency not consistent with disease.

Breakthrough Genomics
Classification: Likely benign. Review status: criteria provided, single submitter. Criteria: ACMG Guidelines, 2015. Collection method: not provided. Allele origin: germline. Inheritance: Autosomal recessive inheritance. Affected: yes.